The following is an entry in ClinVar:

ClinVar aggregate classification (germline): Uncertain significance (1 of 4 stars; one submission).

Conditions:
Neuromuscular disease caused by qualitative or quantitative defects of dysferlin. Also called: Qualitative or quantitative defects of dysferlin; Dysferlinopathy. Identifiers: Orphanet 207073, MedGen C2931687, MONDO:0016145.

Allele frequency attached by ClinVar (database versions not stated): TOPMed below 0.00001.

Submission:

Labcorp Genetics (formerly Invitae), Labcorp
Classification: Uncertain significance for Neuromuscular disease caused by qualitative or quantitative defects of dysferlin. Last evaluated: 2021-04-23. Review status: criteria provided, single submitter. Criteria: Invitae Variant Classification Sherloc (09022015). Collection method: clinical testing. Allele origin: germline.
Comment: This sequence change replaces glycine with valine at codon 825 of the DYSF protein (p.Gly825Val). The glycine residue is moderately conserved and there is a moderate physicochemical difference between glycine and valine. This variant is not present in population databases (ExAC no frequency). This variant has not been reported in the literature in individuals with DYSF-related conditions. Advanced modeling of protein sequence and biophysical properties (such as structural, functional, and spatial information, amino acid conservation, physicochemical variation, residue mobility, and thermodynamic stability) performed at Invitae indicates that this missense variant is expected to disrupt DYSF protein function. In summary, the available evidence is currently insufficient to determine the role of this variant in disease. Therefore, it has been classified as a Variant of Uncertain Significance.

NM_001130987.2(DYSF):c.2528G>T (p.Gly843Val)

Gene: DYSF (dysferlin; plus strand). Cytogenetic location: 2p13.2.
Variant type: single nucleotide variant.
Coding change: c.2528G>T on transcript NM_001130987.2 (MANE Select); coding-DNA position 2528, G replaced by T.
Protein change: p.Gly843Val; replaces glycine 843 with valine.
Molecular consequence: missense variant.
Genome position (GRCh38, 1-based): chr2:71,564,176, G>T. VCF-style: chr2-71564176-G-T. GRCh37 (hg19) VCF-style: chr2-71791306-G-T.
Other names: c.2477G>T, p.Gly826Val (NM_001130455.2, NM_001130983.2); c.2432G>T, p.Gly811Val (NM_001130976.2, NM_001130977.2); c.2474G>T, p.Gly825Val (NM_001130978.2, NM_003494.4); c.2567G>T, p.Gly856Val (NM_001130979.2); c.2525G>T, p.Gly842Val (NM_001130980.2, NM_001130981.2); c.2570G>T, p.Gly857Val (NM_001130982.2); c.2435G>T, p.Gly812Val (NM_001130984.2, NM_001130986.2); c.2528G>T, p.Gly843Val (NM_001130985.2); short protein forms G811V, G843V, G825V, G856V, G812V, G826V, G842V, G857V.
Identifiers: ClinVar variation 1987949 (VCV001987949.1), dbSNP rs747372146, ClinGen allele CA347211709.